The following is an entry in ClinVar:

ClinVar aggregate classification (germline): Conflicting classifications of pathogenicity. Review status: criteria provided, conflicting classifications (1 of 4 stars). 2 submissions from 2 submitters: Uncertain significance (1); Likely benign (1). Last evaluated 2024-06-04.

Conditions:
Early-infantile DEE. Also called: Early infantile epileptic encephalopathy with suppression bursts; Early infantile epileptic encephalopathy; Ohtahara syndrome. Identifiers: Orphanet 1934, MedGen C0393706, MONDO:0800491.

Allele frequency attached by ClinVar (database versions not stated): gnomAD exomes below 0.00001 and 0.00003; TOPMed 0.00002; gnomAD 0.00006.
gnomAD v4.1: 50 of 1,613,838 alleles (0.0031%); highest among the groups gnomAD compares: Non-Finnish European, 0.0041%; no homozygotes.

Submissions (2):

Labcorp Genetics (formerly Invitae), Labcorp
Classification: Uncertain significance for Early-infantile DEE. Last evaluated: 2024-06-04. Review status: criteria provided, single submitter. Criteria: Invitae Variant Classification Sherloc (09022015). Collection method: clinical testing. Allele origin: germline.
Comment: This sequence change replaces alanine, which is neutral and non-polar, with serine, which is neutral and polar, at codon 545 of the SPTAN1 protein (p.Ala545Ser). This variant is present in population databases (no rsID available, gnomAD 0.002%). This variant has not been reported in the literature in individuals affected with SPTAN1-related conditions. ClinVar contains an entry for this variant (Variation ID: 392793). Advanced modeling of protein sequence and biophysical properties (such as structural, functional, and spatial information, amino acid conservation, physicochemical variation, residue mobility, and thermodynamic stability) has been performed at Invitae for this missense variant, however the output from this modeling did not meet the statistical confidence thresholds required to predict the impact of this variant on SPTAN1 protein function. In summary, the available evidence is currently insufficient to determine the role of this variant in disease. Therefore, it has been classified as a Variant of Uncertain Significance.

GeneDx
Classification: Likely benign. Last evaluated: 2019-11-04. Review status: criteria provided, single submitter. Criteria: GeneDx Variant Classification Process June 2021. Collection method: clinical testing. Allele origin: germline. Affected: yes.
Comment: Missense variant in a gene in which most reported pathogenic variants are truncating/loss-of-function; In silico analysis, which includes protein predictors and evolutionary conservation, supports that this variant does not alter protein structure/function

NM_001130438.3(SPTAN1):c.1633G>T (p.Ala545Ser)

Gene: SPTAN1 (spectrin alpha, non-erythrocytic 1; plus strand). Cytogenetic location: 9q34.11.
Variant type: single nucleotide variant.
Coding change: c.1633G>T on transcript NM_001130438.3 (MANE Select); coding-DNA position 1633, G replaced by T.
Protein change: p.Ala545Ser; replaces alanine 545 with serine.
Molecular consequence: missense variant.
Genome position (GRCh38, 1-based): chr9:128,582,539, G>T. VCF-style: chr9-128582539-G-T. GRCh37 (hg19) VCF-style: chr9-131344818-G-T.
Other names: c.1633G>T, p.Ala545Ser (NM_001195532.2, NM_001363759.2, NM_001363765.2 and 1 more transcripts); short protein forms A545S.
Identifiers: ClinVar variation 392793 (VCV000392793.6), dbSNP rs1003067844, ClinGen allele CA16605607.